The following is an entry in ClinVar:

ClinVar aggregate classification (germline): Uncertain significance. Review status: criteria provided, multiple submitters, no conflicts (2 of 4 stars). 2 submissions from 2 submitters: Uncertain significance (2). Last evaluated 2022-08-21.

Conditions:
Joubert syndrome 8 (JBTS8). Identifiers: Orphanet 475, MedGen C2676771, MONDO:0012855, OMIM 612291.

Allele frequency attached by ClinVar (database versions not stated): gnomAD 0.00001; TOPMed 0.00002; gnomAD exomes 0.00006; ExAC 0.00010.
gnomAD v4.1: 19 of 1,611,188 alleles (0.0012%); highest among the groups gnomAD compares: Admixed American, 0.032%; no homozygotes.

Submissions (2):

Labcorp Genetics (formerly Invitae), Labcorp
Classification: Uncertain significance for Joubert syndrome 8. Last evaluated: 2022-08-21. Review status: criteria provided, single submitter. Criteria: Invitae Variant Classification Sherloc (09022015). Collection method: clinical testing. Allele origin: germline.
Comment: This sequence change replaces glutamine, which is neutral and polar, with histidine, which is basic and polar, at codon 278 of the ARL13B protein (p.Gln278His). This variant is present in population databases (rs772186970, gnomAD 0.04%). This variant has not been reported in the literature in individuals affected with ARL13B-related conditions. ClinVar contains an entry for this variant (Variation ID: 1490527). Algorithms developed to predict the effect of missense changes on protein structure and function output the following: SIFT: "Deleterious"; PolyPhen-2: "Benign"; Align-GVGD: "Class C0". The histidine amino acid residue is found in multiple mammalian species, which suggests that this missense change does not adversely affect protein function. In summary, the available evidence is currently insufficient to determine the role of this variant in disease. Therefore, it has been classified as a Variant of Uncertain Significance.

Revvity Omics, Revvity
Classification: Uncertain significance for Joubert syndrome 8. Last evaluated: 2021-08-04. Review status: criteria provided, single submitter. Criteria: ACMG Guidelines, 2015. Collection method: clinical testing. Allele origin: germline.

NM_001174150.2(ARL13B):c.834A>T (p.Gln278His)

Gene: ARL13B (ARF like GTPase 13B; plus strand). Cytogenetic location: 3q11.2.
Variant type: single nucleotide variant.
Coding change: c.834A>T on transcript NM_001174150.2 (MANE Select); coding-DNA position 834, A replaced by T.
Protein change: p.Gln278His; replaces glutamine 278 with histidine.
Molecular consequence: missense variant. On other transcripts: non-coding transcript variant (2).
Genome position (GRCh38, 1-based): chr3:94,043,050, A>T. VCF-style: chr3-94043050-A-T. GRCh37 (hg19) VCF-style: chr3-93761894-A-T.
Other names: c.525A>T, p.Gln175His (NM_001174151.2); c.789A>T, p.Gln263His (NM_001321328.2); c.513A>T, p.Gln171His (NM_144996.4); c.834A>T, p.Gln278His (NM_182896.3); short protein forms Q278H, Q263H, Q171H, Q175H.
Identifiers: ClinVar variation 1490527 (VCV001490527.6), dbSNP rs772186970, ClinGen allele CA2504196.
Genomic context (GRCh38, chr3:94,043,050, plus strand): 5'-GATAATGTATTTTATTTTTTGTTAGAATGAAGGAAAACTTGAAAGAGAGAAAAAAAACCA[A>T]AAAATGGAGAAAGACAGTGATGGCTGCCACCTGAAACATAAAATGGAGCATGAGCAAATA-3'
Protein context (NP_001167621.1, residues 268-288): EGKLEREKKN[Gln278His]KMEKDSDGCH